The following is an entry in ClinVar:

NC_000001.11:g.(?_25543689)_(25557277_?)del

Gene: LDLRAP1 (low density lipoprotein receptor adaptor protein 1; plus strand). Cytogenetic location: 1p36.11.
Variant type: Deletion.
Identifiers: ClinVar variation 830746 (VCV000830746.8).

ClinVar aggregate classification (germline): Pathogenic (1 of 4 stars; one submission).

Conditions:
Hypercholesterolemia, familial, 4 (FHCL4). Also called: HYPERCHOLESTEROLEMIA, AUTOSOMAL RECESSIVE, 1; HYPERCHOLESTEROLEMIA, AUTOSOMAL RECESSIVE, 2. Identifiers: Orphanet 391665, MedGen C1863512, MONDO:0011374, OMIM 603813.

Submission:

Labcorp Genetics (formerly Invitae), Labcorp
Classification: Pathogenic for Hypercholesterolemia, familial, 4. Last evaluated: 2022-06-13. Review status: criteria provided, single submitter. Criteria: Invitae Variant Classification Sherloc (09022015). Collection method: clinical testing. Allele origin: germline.
Comment: For these reasons, this variant has been classified as Pathogenic. This variant has not been reported in the literature in individuals affected with LDLRAP1-related conditions. This variant is a gross deletion of the genomic region encompassing exon(s) 1-4 of the LDLRAP1 gene, which includes the initiator codon. This deletion extends beyond the assayed region for this gene and therefore may encompass additional genes. It is expected to result in an absent or disrupted protein product. Loss-of-function variants in LDLRAP1 are known to be pathogenic (PMID: 11326085, 12464675).

Literature cited by the submitters: PubMed 11326085; PubMed 12464675.